The following is an entry in ClinVar:

ClinVar aggregate classification (germline): Uncertain significance (1 of 4 stars; one submission).

Conditions:
Cardiovascular phenotype. Identifiers: MedGen CN230736.

gnomAD v4.1: 1 of 1,614,066 alleles (0.000062%); highest among the groups gnomAD compares: East Asian, 0.0022%; no homozygotes.

Submission:

Ambry Genetics
Classification: Uncertain significance for Cardiovascular phenotype. Last evaluated: 2025-10-05. Review status: criteria provided, single submitter. Criteria: Ambry Variant Classification Scheme 2023. Collection method: clinical testing. Allele origin: germline.
Comment: The p.Q173K variant (also known as c.517C>A), located in coding exon 5 of the LDLRAP1 gene, results from a C to A substitution at nucleotide position 517. The glutamine at codon 173 is replaced by lysine, an amino acid with similar properties. This amino acid position is conserved. In addition, this alteration is predicted to be tolerated by in silico analysis. Based on the available evidence, the clinical significance of this variant remains unclear.

NM_015627.3(LDLRAP1):c.517C>A (p.Gln173Lys)

Gene: LDLRAP1 (low density lipoprotein receptor adaptor protein 1; plus strand). Cytogenetic location: 1p36.11.
Variant type: single nucleotide variant.
Coding change: c.517C>A on transcript NM_015627.3 (MANE Select); coding-DNA position 517, C replaced by A.
Protein change: p.Gln173Lys; replaces glutamine 173 with lysine.
Molecular consequence: missense variant.
Genome position (GRCh38, 1-based): chr1:25,562,701, C>A. VCF-style: chr1-25562701-C-A. GRCh37 (hg19) VCF-style: chr1-25889192-C-A.
Other names: short protein forms Q173K.
Identifiers: ClinVar variation 4614510 (VCV004614510.1).